The following is an entry in ClinVar:

ClinVar aggregate classification (germline): Uncertain significance (1 of 4 stars; one submission).

Conditions:
Long QT syndrome (LQTS). Identifiers: MedGen C0023976, MeSH D008133, MONDO:0002442. Disease mechanism: loss of function. Inheritance: Various modes of inheritance.

Submission:

Labcorp Genetics (formerly Invitae), Labcorp
Classification: Uncertain significance for Long QT syndrome. Last evaluated: 2021-04-01. Review status: criteria provided, single submitter. Criteria: Invitae Variant Classification Sherloc (09022015). Collection method: clinical testing. Allele origin: germline.
Comment: In summary, the available evidence is currently insufficient to determine the role of this variant in disease. Therefore, it has been classified as a Variant of Uncertain Significance. Nucleotide substitutions within the consensus splice site are a relatively common cause of aberrant splicing (PMID: 17576681, 9536098). Algorithms developed to predict the effect of sequence changes on RNA splicing suggest that this variant may disrupt the consensus splice site, but this prediction has not been confirmed by published transcriptional studies. This variant has been observed in individual(s) with clinical features of long QT syndrome (Invitae). This variant is not present in population databases (ExAC no frequency). This sequence change falls in intron 9 of the KCNH2 gene. It does not directly change the encoded amino acid sequence of the KCNH2 protein. It affects a nucleotide within the consensus splice site of the intron.

Literature cited by the submitters: PubMed 17576681; PubMed 9536098.

NM_000238.4(KCNH2):c.2398+3_2398+4del

Gene: KCNH2 (potassium voltage-gated channel subfamily H member 2; minus strand). Cytogenetic location: 7q36.1.
Variant type: Deletion.
Coding change: c.2398+3_2398+4del on transcript NM_000238.4 (MANE Select); bases 3 to 4 of the intron after coding-DNA position 2398, 2 bases deleted (AT; older notation c.2398+3_2398+4delAT).
Molecular consequence: splice donor variant. On other transcripts: frameshift variant (5).
Genome position (GRCh38, 1-based): chr7:150,950,164-150,950,165, AT deleted on the plus strand (AT on the coding strand, the reverse complement: KCNH2 is on the minus strand); deleting any 2 consecutive bases within chr7:150,950,164-150,950,166 gives the same sequence; the c. name uses the placement nearest the transcript's 3' end. VCF-style (leftmost placement, unchanged base first): chr7-150950163-CAT-C. GRCh37 (hg19) VCF-style: chr7-150647251-CAT-C.
Other names: c.1381_1382del, p.Met461fs (NM_001204798.2); c.2223_2224delTA, p.Met742Glyfs (NM_001406755.1); c.2112_2113delTA, p.Met705Glyfs (NM_001406756.1); c.2100_2101delTA, p.Met701Glyfs (NM_001406757.1); c.2400_2401delTA, p.Met801Glyfs (NM_172056.3); c.1378+3_1378+4del (NM_172057.3); short protein forms M461fs, M801fs.
Identifiers: ClinVar variation 1418468 (VCV001418468.10), dbSNP rs2116948300, ClinGen allele CA2573141861.